The following is an entry in ClinVar:

ClinVar aggregate classification (germline): Pathogenic. Review status: reviewed by expert panel (3 of 4 stars). 5 submissions from 5 submitters: Pathogenic (1). 4 of the submissions do not count toward it. Last evaluated 2016-10-18.

Conditions:
Hereditary cancer-predisposing syndrome. Also called: Tumor predisposition; Neoplastic Syndromes, Hereditary; Hereditary neoplastic syndrome; Hereditary Cancer Syndrome. Identifiers: Orphanet 140162, MedGen C0027672, MeSH D009386, MONDO:0015356.
Hereditary breast ovarian cancer syndrome. Also called: Hereditary breast and ovarian cancer; Hereditary breast and ovarian cancer syndrome (HBOC); Hereditary breast and/or ovarian cancer syndrome; Breast and ovarian cancer; Hereditary breast and ovarian cancer syndrome; BRCA1- and BRCA2-Associated Hereditary Breast and Ovarian Cancer. Identifiers: Orphanet 145, MedGen C0677776, MeSH D061325, MONDO:0003582. Disease mechanism: loss of function.
Breast-ovarian cancer, familial, susceptibility to, 2 (BROVCA2). Also called: BRCA2 Hereditary Breast and Ovarian Cancer. Identifiers: Orphanet 145, MedGen C2675520, MONDO:0012933, OMIM 612555. Disease mechanism: loss of function.

Submissions (5):

Evidence-based Network for the Interpretation of Germline Mutant Alleles (ENIGMA)
Classification: Pathogenic for Breast-ovarian cancer, familial, susceptibility to, 2. Last evaluated: 2016-10-18. Review status: reviewed by expert panel. Criteria: ENIGMA BRCA1/2 Classification Criteria (2015). Collection method: curation. Allele origin: germline.
Comment: Variant allele predicted to encode a truncated non-functional protein.

Color Diagnostics, LLC DBA Color Health
Classification: Pathogenic for Hereditary cancer-predisposing syndrome. Last evaluated: 2022-03-01. Review status: criteria provided, single submitter. Criteria: ACMG Guidelines, 2015. Collection method: clinical testing. Allele origin: germline. Not counted in ClinVar's aggregate classification.
Comment: This variant replaces 4 nucleotides in exon 10 of the BRCA2 gene with 3 new nucleotides, creating a frameshift and premature translation stop signal. This variant is expected to result in an absent or non-functional protein product. This variant is also known as 1896del4ins3 based on Breast Cancer Information Core (BIC) nomenclature. This variant has been reported in an individual with breast and/or ovarian cancer (PMID: 27062684), and has been identified in one family among the CIMBA participants (PMID: 29446198). This variant has not been identified in the general population by the Genome Aggregation Database (gnomAD). Loss of BRCA2 function is a known mechanism of disease. Based on the available evidence, this variant is classified as Pathogenic.

Labcorp Genetics (formerly Invitae), Labcorp
Classification: Pathogenic for Hereditary breast ovarian cancer syndrome. Last evaluated: 2020-12-23. Review status: criteria provided, single submitter. Criteria: Invitae Variant Classification Sherloc (09022015). Collection method: clinical testing. Allele origin: germline. Not counted in ClinVar's aggregate classification.
Comment: For these reasons, this variant has been classified as Pathogenic. This variant has not been reported in the literature in individuals with BRCA2-related conditions. ClinVar contains an entry for this variant (Variation ID: 266649). The frequency data for this variant in the population databases is not available, as this variant may be reported as separate entries in the ExAC database. This sequence change creates a premature translational stop signal (p.Asn556Lysfs*17) in the BRCA2 gene. It is expected to result in an absent or disrupted protein product. Loss-of-function variants in BRCA2 are known to be pathogenic (PMID: 20104584).

GeneDx
Classification: Pathogenic. Last evaluated: 2016-08-02. Review status: criteria provided, single submitter. Criteria: GeneDx Variant Classification (06012015). Collection method: clinical testing. Allele origin: germline. Affected: yes. Not counted in ClinVar's aggregate classification.
Comment: This combined deletion and insertion is denoted BRCA2 c.1668_1671delTTTAinsATT at the cDNA level and p.Asn556LysfsX17 (N556KfsX17) at the protein level. The normal sequence, with the bases that are deleted in braces and inserted in brackets, is CAAA[TTTA][ATT]ATTG. The variant causes a frameshift, which changes an Asparagine to a Lysine at codon 556, and creates a premature stop codon at position 17 of the new reading frame. Although this variant has not, to our knowledge, been reported in the literature, it is predicted to cause loss of normal protein function through either protein truncation or nonsense-mediated mRNA decay, and is considered pathogenic.

Consortium of Investigators of Modifiers of BRCA1/2 (CIMBA), c/o University of Cambridge
Classification: Pathogenic for Breast-ovarian cancer, familial, susceptibility to, 2. Last evaluated: 2015-10-02. Review status: criteria provided, single submitter. Criteria: CIMBA Mutation Classification guidelines May 2016. Collection method: clinical testing. Allele origin: germline. Not counted in ClinVar's aggregate classification.

Literature cited by the submitters: PubMed 27062684 (cited by Color Diagnostics, LLC DBA Color Health); PubMed 29446198 (cited by Color Diagnostics, LLC DBA Color Health); PubMed 20104584 (cited by Labcorp Genetics (formerly Invitae), Labcorp).

NM_000059.4(BRCA2):c.1668_1671delinsATT (p.Asn556fs)

Gene: BRCA2 (BRCA2 DNA repair associated; plus strand). Cytogenetic location: 13q13.1.
Variant type: Indel.
Coding change: c.1668_1671delinsATT on transcript NM_000059.4 (MANE Select); coding-DNA positions 1668 to 1671, TTTA replaced by ATT.
Protein change: p.Asn556fs; shifts the reading frame from asparagine 556.
Molecular consequence: frameshift variant.
Genome position (GRCh38, 1-based): chr13:32,333,146-32,333,149, TTTA replaced by ATT. VCF-style: chr13-32333146-TTTA-ATT. GRCh37 (hg19) VCF-style: chr13-32907283-TTTA-ATT.
Other names: 1896delTTTAinsATT; c.1668_1671delTTTAinsATT (NM_000059.3); short protein forms N556fs.
Identifiers: ClinVar variation 266649 (VCV000266649.15), dbSNP rs483353110, ClinGen allele CA10589108.
Genomic context (GRCh38, chr13:32,333,146, plus strand): 5'-TGAAAGTGGACTGGAAATACATACTGTTTGCTCACAGAAGGAGGACTCCTTATGTCCAAA[TTTA>ATT]ATTGATAATGGAAGCTGGCCAGCCACCACCACACAGAATTCTGTAGCTTTGAAGAATGCA-3'